The following is an entry in ClinVar:

NM_024120.5(NDUFAF5):c.30_31del (p.Cys11fs)

Genes: NDUFAF5 (NADH:ubiquinone oxidoreductase complex assembly factor 5; plus strand), LOC130065433 (ATAC-STARR-seq lymphoblastoid active region 17552; plus strand). Cytogenetic location: 20p12.1.
Variant type: Deletion.
Coding change: c.30_31del on transcript NM_024120.5 (MANE Select); coding-DNA positions 30 to 31, 2 bases deleted (AT; older notation c.30_31delAT).
Protein change: p.Cys11fs; shifts the reading frame from cysteine 11.
Molecular consequence: frameshift variant. On other transcripts: 5 prime UTR variant (3), non-coding transcript variant (7).
Genome position (GRCh38, 1-based): chr20:13,785,098-13,785,099, AT deleted; deleting any 2 consecutive bases within chr20:13,785,097-13,785,099 gives the same sequence; the c. name uses the placement nearest the transcript's 3' end. VCF-style (leftmost placement, unchanged base first): chr20-13785096-TTA-T. GRCh37 (hg19) VCF-style: chr20-13765742-TTA-T.
Other names: c.30_31delAT (NM_024120.4); c.30_31del, p.Cys11fs (NM_001039375.3, NM_001352408.2); c.-338_-337del (NM_001352403.2); c.-552_-551del (NM_001352406.2); c.-666_-665del (NM_001352407.2); short protein forms C11fs.
Identifiers: ClinVar variation 2676972 (VCV002676972.7), dbSNP rs2516091019, ClinGen allele CA2651945366.

ClinVar aggregate classification (germline): Pathogenic/Likely pathogenic. Review status: criteria provided, multiple submitters, no conflicts (2 of 4 stars). 4 submissions from 4 submitters: Pathogenic (1); Likely pathogenic (3). Last evaluated 2025-12-15.

Conditions:
Mitochondrial complex I deficiency. Also called: NADH:Q(1) OXIDOREDUCTASE DEFICIENCY. Identifiers: Orphanet 2609, MedGen C1838979, MeSH C537475, MONDO:0100133.
Mitochondrial complex I deficiency, nuclear type 16. Also called: Mitochondrial complex 1 deficiency, nuclear type 16. Identifiers: MedGen C4748785, MONDO:0032621, OMIM 618238.

Submissions (4):

Labcorp Genetics (formerly Invitae), Labcorp
Classification: Pathogenic. Last evaluated: 2025-12-15. Review status: criteria provided, single submitter. Criteria: Invitae Variant Classification Sherloc (09022015). Collection method: clinical testing. Allele origin: germline.
Comment: This sequence change creates a premature translational stop signal (p.Cys11Serfs*16) in the NDUFAF5 gene. It is expected to result in an absent or disrupted protein product. Loss-of-function variants in NDUFAF5 are known to be pathogenic (PMID: 26275793, 30473481, 32918965). This variant is not present in population databases (gnomAD no frequency). This variant has not been reported in the literature in individuals affected with NDUFAF5-related conditions. ClinVar contains an entry for this variant (Variation ID: 2676972). For these reasons, this variant has been classified as Pathogenic.

Natera, Inc.
Classification: Likely pathogenic for Mitochondrial complex I deficiency. Last evaluated: 2024-03-27. Review status: criteria provided, single submitter. Criteria: Natera Variant Classification Schema (03/2026). Collection method: clinical testing. Allele origin: germline.
Comment: The c.30_31delAT variant in NDUFAF5 is a frameshift variant predicted to shift the reading frame beginning at codon 11 and leads to a stop codon 16 codons downstream. This variant is expected to result in nonsense mediated decay, truncation, or a dysfunctional protein product. This variant is rare in the general population with a frequency below the threshold expected for the associated phenotype(s). Given the available evidence, this variant is classified as Likely Pathogenic.

Fulgent Genetics
Classification: Likely pathogenic for Mitochondrial complex I deficiency, nuclear type 16. Last evaluated: 2024-03-04. Review status: criteria provided, single submitter. Criteria: ACMG Guidelines, 2015. Collection method: clinical testing. Allele origin: germline.

Baylor Genetics
Classification: Likely pathogenic for Mitochondrial complex I deficiency, nuclear type 16. Last evaluated: 2023-12-04. Review status: criteria provided, single submitter. Criteria: ACMG Guidelines, 2015. Collection method: clinical testing. Allele origin: unknown.

Literature cited by the submitters: PubMed 26275793 (cited by Labcorp Genetics (formerly Invitae), Labcorp); PubMed 30473481 (cited by Labcorp Genetics (formerly Invitae), Labcorp); PubMed 32918965 (cited by Labcorp Genetics (formerly Invitae), Labcorp).